The following is an entry in ClinVar:

ClinVar aggregate classification (germline): Uncertain significance (1 of 4 stars; one submission).

Submission:

Ambry Genetics
Classification: Uncertain significance. Last evaluated: 2023-01-19. Review status: criteria provided, single submitter. Criteria: Ambry Variant Classification Scheme 2023. Collection method: clinical testing. Allele origin: germline.
Comment: The p.W886R variant (also known as c.2656T>A), located in coding exon 24 of the PRKDC gene, results from a T to A substitution at nucleotide position 2656. The tryptophan at codon 886 is replaced by arginine, an amino acid with dissimilar properties. This amino acid position is conserved. In addition, the in silico prediction for this alteration is inconclusive. Since supporting evidence is limited at this time, the clinical significance of this alteration remains unclear.

NM_006904.7(PRKDC):c.2656T>A (p.Trp886Arg)

Gene: PRKDC (protein kinase, DNA-activated, catalytic subunit; minus strand). Cytogenetic location: 8q11.21.
Variant type: single nucleotide variant.
Coding change: c.2656T>A on transcript NM_006904.7 (MANE Select); coding-DNA position 2656, T replaced by A.
Protein change: p.Trp886Arg; replaces tryptophan 886 with arginine.
Molecular consequence: missense variant.
Genome position (GRCh38, 1-based): chr8:47,914,026, A>T on the plus strand (T>A on the coding strand, the complement: PRKDC is on the minus strand). VCF-style: chr8-47914026-A-T. GRCh37 (hg19) VCF-style: chr8-48826586-A-T.
Other names: c.2656T>A, p.Trp886Arg (NM_001081640.2); short protein forms W886R.
Identifiers: ClinVar variation 2449864 (VCV002449864.2), dbSNP rs1340244568, ClinGen allele CA371159494.